The following is an entry in ClinVar:

ClinVar aggregate classification (germline): Benign/Likely benign. Review status: criteria provided, multiple submitters, no conflicts (2 of 4 stars). 4 submissions from 4 submitters: Benign (1); Likely benign (3). Last evaluated 2025-05-13.

Conditions:
Hereditary cancer-predisposing syndrome. Also called: Hereditary Cancer Syndrome; Hereditary neoplastic syndrome; Neoplastic Syndromes, Hereditary; Tumor predisposition. Identifiers: Orphanet 140162, MedGen C0027672, MeSH D009386, MONDO:0015356.
Familial cancer of breast. Also called: hereditary breast carcinoma; BREAST CANCER, FAMILIAL; Hereditary breast cancer. Identifiers: Orphanet 227535, MedGen C0346153, MONDO:0016419, OMIM 114480. Disease mechanism: loss of function.
Ataxia-telangiectasia syndrome (AT). Also called: Ataxia-telangiectasia, complementation group E; LOUIS-BAR SYNDROME; Cerebello-oculocutaneous telangiectasia; Immunodeficiency with ataxia telangiectasia; Ataxia-telangiectasia, complementation group D; AT, COMPLEMENTATION GROUP C. Identifiers: Orphanet 100, MedGen C0004135, MONDO:0008840, OMIM 208900.

Submissions (4):

Labcorp Genetics (formerly Invitae), Labcorp
Classification: Likely benign for Ataxia-telangiectasia syndrome. Last evaluated: 2025-05-13. Review status: criteria provided, single submitter. Criteria: Invitae Variant Classification Sherloc (09022015). Collection method: clinical testing. Allele origin: germline.

Myriad Genetics, Inc.
Classification: Benign for Familial cancer of breast. Last evaluated: 2024-04-25. Review status: criteria provided, single submitter. Criteria: Myriad Autosomal Dominant, Autosomal Recessive and X-Linked Classification Criteria (2023). Collection method: clinical testing. Allele origin: unknown.
Comment: This variant is considered benign. This variant is a silent/synonymous amino acid change and it is not expected to impact splicing.

Ambry Genetics
Classification: Likely benign for Hereditary cancer-predisposing syndrome. Last evaluated: 2023-02-12. Review status: criteria provided, single submitter. Criteria: Ambry Variant Classification Scheme 2023. Collection method: clinical testing. Allele origin: germline.

Color Diagnostics, LLC DBA Color Health
Classification: Likely benign for Hereditary cancer-predisposing syndrome. Last evaluated: 2019-10-31. Review status: criteria provided, single submitter. Criteria: ACMG Guidelines, 2015. Collection method: clinical testing. Allele origin: germline.

NM_000051.4(ATM):c.1143T>C (p.Ser381=)

Gene: ATM (ATM serine/threonine kinase; plus strand). Cytogenetic location: 11q22.3.
Variant type: single nucleotide variant.
Coding change: c.1143T>C on transcript NM_000051.4 (MANE Select); coding-DNA position 1143, T replaced by C.
Protein change: p.Ser381=; no amino-acid change (serine 381 retained).
Molecular consequence: synonymous variant.
Genome position (GRCh38, 1-based): chr11:108,249,010, T>C. VCF-style: chr11-108249010-T-C. GRCh37 (hg19) VCF-style: chr11-108119737-T-C.
Other names: c.1143T>C, p.Ser381= (NM_001351834.2).
Identifiers: ClinVar variation 923253 (VCV000923253.13), dbSNP rs755991658, ClinGen allele CA228389790.
Genomic context (GRCh38, chr11:108,249,010, plus strand): 5'-CAGATCCTTGGAGATTTCTCAATCTTACACTACTACACAAAGAGAATCTAGTGATTACAG[T>C]GTCCCTTGCAAAAGGAAGAAAATAGAACTAGGCTGGGAAGTAATAAAAGATCACCTTCAG-3'
Protein context (NP_000042.3, residues 371-391): TTTQRESSDY[Ser381=]VPCKRKKIEL